The following is an entry in ClinVar:

NM_152564.5(VPS13B):c.5876_5883delinsCTAA (p.Leu1959fs)

Gene: VPS13B (vacuolar protein sorting 13 homolog B; plus strand). Cytogenetic location: 8q22.2.
Variant type: Indel.
Coding change: c.5876_5883delinsCTAA on transcript NM_152564.5 (MANE Select); coding-DNA positions 5876 to 5883, TTAAAGGG replaced by CTAA.
Protein change: p.Leu1959fs; shifts the reading frame from leucine 1959.
Molecular consequence: frameshift variant.
Genome position (GRCh38, 1-based): chr8:99,642,466-99,642,473, TTAAAGGG replaced by CTAA. VCF-style: chr8-99642466-TTAAAGGG-CTAA. GRCh37 (hg19) VCF-style: chr8-100654694-TTAAAGGG-CTAA.
Other names: c.5951_5958delinsCTAA, p.Leu1984fs (NM_017890.5); short protein forms L1959fs, L1984fs.
Identifiers: ClinVar variation 4815963 (VCV004815963.1).

ClinVar aggregate classification (germline): Likely pathogenic (1 of 4 stars; one submission).

Conditions:
Cohen syndrome (COH1). Also called: PEPPER SYNDROME; Cutis verticis gyrata, retinitis pigmentosa, and sensorineural deafness. Identifiers: Orphanet 193, MedGen C0265223, MONDO:0008999, OMIM 216550.

Submission:

Natera, Inc.
Classification: Likely pathogenic for Cohen syndrome. Last evaluated: 2024-04-29. Review status: criteria provided, single submitter. Criteria: Natera Variant Classification Schema (03/2026). Collection method: clinical testing. Allele origin: germline.
Comment: The c.5951_5958delTTAAAGGGinsCTAA variant in VPS13B is a frameshift variant predicted to shift the reading frame beginning at codon 1984 and leads to a stop codon 10 codons downstream. This variant is expected to result in nonsense mediated decay, truncation, or a dysfunctional protein product. This variant is rare in the general population with a frequency below the threshold expected for the associated phenotype(s). Given the available evidence, this variant is classified as Likely Pathogenic.